The following is an entry in ClinVar:

ClinVar aggregate classification (germline): Uncertain significance (1 of 4 stars; one submission).

Submission:

Labcorp Genetics (formerly Invitae), Labcorp
Classification: Uncertain significance. Last evaluated: 2025-06-23. Review status: criteria provided, single submitter. Criteria: Invitae Variant Classification Sherloc (09022015). Collection method: clinical testing. Allele origin: germline.
Comment: This sequence change replaces lysine, which is basic and polar, with arginine, which is basic and polar, at codon 3605 of the KMT2A protein (p.Lys3605Arg). This variant is not present in population databases (gnomAD no frequency). This variant has not been reported in the literature in individuals affected with KMT2A-related conditions. ClinVar contains an entry for this variant (Variation ID: 3634365). Invitae Evidence Modeling of protein sequence and biophysical properties (such as structural, functional, and spatial information, amino acid conservation, physicochemical variation, residue mobility, and thermodynamic stability) indicates that this missense variant is not expected to disrupt KMT2A protein function with a negative predictive value of 95%. Algorithms developed to predict the effect of sequence changes on RNA splicing suggest that this variant may disrupt the consensus splice site. In summary, the available evidence is currently insufficient to determine the role of this variant in disease. Therefore, it has been classified as a Variant of Uncertain Significance.

NM_001197104.2(KMT2A):c.10814A>G (p.Lys3605Arg)

Gene: KMT2A (lysine methyltransferase 2A; plus strand). Cytogenetic location: 11q23.3.
Variant type: single nucleotide variant.
Coding change: c.10814A>G on transcript NM_001197104.2 (MANE Select); coding-DNA position 10814, A replaced by G.
Protein change: p.Lys3605Arg; replaces lysine 3605 with arginine.
Molecular consequence: missense variant.
Genome position (GRCh38, 1-based): chr11:118,507,588, A>G. VCF-style: chr11-118507588-A-G. GRCh37 (hg19) VCF-style: chr11-118378303-A-G.
Other names: c.10904A>G, p.Lys3635Arg (NM_001412597.1); c.10805A>G, p.Lys3602Arg (NM_005933.4); short protein forms K3602R, K3635R, K3605R.
Identifiers: ClinVar variation 3634365 (VCV003634365.2).
Genomic context (GRCh38, chr11:118,507,588, plus strand): 5'-GGACTCCAGGAGCAGAGGCTGAGCAGCAGGATACAGCTAGCGTGGAGCAGTCCTCCCAGA[A>G]GGAGTGTGGGCAACCTGCAGGGTAAGCTGAAGAATTCGTCTTTTAAGACTAAGCTCTCAG-3'
Protein context (NP_001184033.1, residues 3595-3615): DTASVEQSSQ[Lys3605Arg]ECGQPAGQVA